The following is an entry in ClinVar:

ClinVar aggregate classification (germline): Likely pathogenic (1 of 4 stars; one submission).

Conditions:
Dilated cardiomyopathy 1G (CMD1G). Identifiers: Orphanet 154, MedGen C1858763, MONDO:0011400, OMIM 604145.
Autosomal recessive limb-girdle muscular dystrophy type 2J (LGMDR10). Also called: MUSCULAR DYSTROPHY, LIMB-GIRDLE, AUTOSOMAL RECESSIVE 10; Limb-girdle muscular dystrophy, type 2J. Identifiers: Orphanet 140922, MedGen C1837342, MONDO:0012127, OMIM 608807.

Submission:

Labcorp Genetics (formerly Invitae), Labcorp
Classification: Likely pathogenic for Dilated cardiomyopathy 1G; Autosomal recessive limb-girdle muscular dystrophy type 2J. Last evaluated: 2018-04-26. Review status: criteria provided, single submitter. Criteria: Invitae Variant Classification Sherloc (09022015). Collection method: clinical testing. Allele origin: germline.
Comment: This variant is not present in population databases (ExAC no frequency). This sequence change results in a premature translational stop signal in the TTN gene (p.Thr21477*). While this is not anticipated to result in nonsense mediated decay, it is expected to create a truncated TTN protein. For these reasons, this variant has been classified as Likely Pathogenic. This variant is found in the A-band of this gene. While this particular variant has not been reported in the literature, truncating variants in the A-band of TTN are significantly overrepresented in patients with dilated cardiomyopathy and are considered to be likely pathogenic for the disease (PMID: 25589632). Truncating variants in TTN have also been reported in individuals affected with autosomal recessive centronuclear myopathy (PMID: 23975875).

Literature cited by the submitters: PubMed 25589632; PubMed 23975875.

NM_001267550.2(TTN):c.64427_64428dup (p.Thr21477Ter)

Genes: TTN-AS1 (TTN antisense RNA 1; plus strand), TTN (titin; minus strand). Cytogenetic location: 2q31.2.
Variant type: Duplication.
Coding change: c.64427_64428dup on transcript NM_001267550.2 (MANE Select); coding-DNA positions 64427 to 64428, 2 bases duplicated (TA; older notation c.64427_64428dupTA).
Protein change: p.Thr21477Ter; replaces threonine 21477 with a stop codon.
Molecular consequence: nonsense.
Genome position (GRCh38, 1-based): chr2:178,585,316-178,585,317, TA duplicated on the plus strand (TA on the coding strand, the reverse complement: TTN is on the minus strand); duplicating any 2 consecutive bases within chr2:178,585,316-178,585,318 gives the same sequence; the c. name uses the placement nearest the transcript's 3' end. VCF-style (leftmost placement, unchanged base first): chr2-178585315-T-TTA. GRCh37 (hg19) VCF-style: chr2-179450042-T-TTA.
Other names: c.64427_64428dupTA (NM_001267550.2); c.59504_59505dup, p.Thr19836Ter (NM_001256850.1); c.37232_37233dup, p.Thr12412Ter (NM_003319.4); c.56723_56724dup, p.Thr18909Ter (NM_133378.4); c.37607_37608dup, p.Thr12537Ter (NM_133432.3); c.37808_37809dup, p.Thr12604Ter (NM_133437.4); short protein forms T21477*, T19836*, T18909*, T12412*, T12537*, T12604*.
Identifiers: ClinVar variation 566894 (VCV000566894.9), dbSNP rs1559536156, ClinGen allele CA891843263.